The following is an entry in ClinVar:

ClinVar aggregate classification (germline): Uncertain significance (1 of 4 stars; one submission).

Conditions:
Desbuquois dysplasia 1 (DBQD1). Also called: MICROMELIC DWARFISM WITH VERTEBRAL AND METAPHYSEAL ABNORMALITIES AND ADVANCED CARPOTARSAL OSSIFICATION; DESBUQUOIS DYSPLASIA 1, KIM VARIANT. Identifiers: Orphanet 1425, MedGen C4012146, MONDO:0009629, OMIM 251450.

Allele frequency attached by ClinVar (database versions not stated): gnomAD exomes 0.00002 and 0.00005; ExAC 0.00004; gnomAD 0.00004 and 0.00005; TOPMed 0.00005.
gnomAD v4.1: 74 of 1,575,366 alleles (0.0047%); highest among the groups gnomAD compares: African/African-American, 0.0094%; no homozygotes.

Submission:

Labcorp Genetics (formerly Invitae), Labcorp
Classification: Uncertain significance for Desbuquois dysplasia 1. Last evaluated: 2021-10-25. Review status: criteria provided, single submitter. Criteria: Invitae Variant Classification Sherloc (09022015). Collection method: clinical testing. Allele origin: germline.
Comment: This sequence change replaces arginine, which is basic and polar, with glutamine, which is neutral and polar, at codon 957 of the XYLT1 protein (p.Arg957Gln). The frequency data for this variant in the population databases is considered unreliable, as metrics indicate poor data quality at this position in the gnomAD database. This variant has not been reported in the literature in individuals affected with XYLT1-related conditions. Algorithms developed to predict the effect of missense changes on protein structure and function are either unavailable or do not agree on the potential impact of this missense change (SIFT: "Tolerated"; PolyPhen-2: "Probably Damaging"; Align-GVGD: "Class C0"). In summary, the available evidence is currently insufficient to determine the role of this variant in disease. Therefore, it has been classified as a Variant of Uncertain Significance.

NM_022166.4(XYLT1):c.2870G>A (p.Arg957Gln)

Gene: XYLT1 (xylosyltransferase 1; minus strand). Cytogenetic location: 16p12.3.
Variant type: single nucleotide variant.
Coding change: c.2870G>A on transcript NM_022166.4 (MANE Select); coding-DNA position 2870, G replaced by A.
Protein change: p.Arg957Gln; replaces arginine 957 with glutamine.
Molecular consequence: missense variant.
Genome position (GRCh38, 1-based): chr16:17,108,705, C>T on the plus strand (G>A on the coding strand, the complement: XYLT1 is on the minus strand). VCF-style: chr16-17108705-C-T. GRCh37 (hg19) VCF-style: chr16-17202562-C-T.
Other names: short protein forms R957Q.
Identifiers: ClinVar variation 1421373 (VCV001421373.3), dbSNP rs765703210, ClinGen allele CA7927462.
Genomic context (GRCh38, chr16:17,108,705, plus strand): 5'-GGCTGCTTTCCCGTTGAGATCCTGCTGTGGCCCACTCCTCGTGCCCAGTGCTACCTGAGC[C>T]GGCCATCAGGTTTGACTGCCCCCAGCTCCGACTTGGGGTCAGGGCTGAAGGAGCTCCAGG-3'
Protein context (NP_071449.1, residues 947-959): SELGAVKPDG[Arg957Gln]LR